The following is an entry in ClinVar:

ClinVar aggregate classification (germline): Pathogenic/Likely pathogenic. Review status: criteria provided, multiple submitters, no conflicts (2 of 4 stars). 5 submissions from 5 submitters: Pathogenic (2); Likely pathogenic (3). Last evaluated 2025-07-17.

Conditions:
COL4A3-related disorder. Also called: COL4A3-Related Disorders; COL4A3-related condition.
Alport syndrome 3b, autosomal recessive. Identifiers: MedGen C5882699, MONDO:0957811, OMIM 620536.
Alport syndrome. Also called: Hemorrhagic familial nephritis; Hemorrhagic hereditary nephritis; Congenital hereditary hematuria. Identifiers: Orphanet 63, MedGen C1567741, MONDO:0018965.
Autosomal recessive Alport syndrome (ATS2). Also called: ALPORT SYNDROME 2, AUTOSOMAL RECESSIVE; Alport syndrome type 2; COL4A4 Alport Syndrome and Thin Basement Membrane Nephropathy; COL4A3-Related Nephropathy. Identifiers: Orphanet 63, Orphanet 88919, MedGen C4746745, MONDO:0008762, OMIM 203780.

Allele frequency attached by ClinVar (database versions not stated): TOPMed 0.00001.

Submissions (5):

Natera, Inc.
Classification: Likely pathogenic for Alport syndrome. Last evaluated: 2025-07-17. Review status: criteria provided, single submitter. Criteria: Natera Variant Classification Schema (03/2026). Collection method: clinical testing. Allele origin: germline.
Comment: The c.1892G>T variant in COL4A3 is a missense variant predicted to cause substitution of glycine to valine at amino acid 631. This variant is rare in the general population with a frequency below the threshold expected for the associated phenotype(s). This variant has been observed in one or more individuals affected with the associated recessive disease, as either homozygous or compound heterozygous with a second variant (PMID: 26809805). This variant is located in a functionally critical region of the protein. A different variant at the same position has been determined to be Pathogenic or Likely Pathogenic. Computational prediction algorithms indicate this variant is likely to affect gene or protein function. Given the available evidence, this variant is classified as Likely Pathogenic.

Women's Health and Genetics/Laboratory Corporation of America, LabCorp
Classification: Likely pathogenic for Autosomal recessive Alport syndrome. Last evaluated: 2025-07-11. Review status: criteria provided, single submitter. Criteria: LabCorp Variant Classification Summary - May 2015. Collection method: clinical testing. Allele origin: germline.
Comment: Variant summary: COL4A3 c.1892G>T (p.Gly631Val) results in a non-conservative amino acid change located in the collagen triple helix repeat domain (IPR008160) of the encoded protein sequence. Algorithms developed to predict the effect of missense changes on protein structure and function all suggest that this variant is likely to be disruptive. The variant was absent in 246610 control chromosomes. c.1892G>T has been observed in individual(s) affected with Alport Syndrome(Braunisch_2018, Weber_2016, internal testing). The variant has also been reported as an unspecified genotype in an individual with renal hypoplasia (Sanna-Cherchi_2017). Additionally, another missense affecting the same codon (p.Gly631Arg) has been observed in individuals with Alport and shown to segregate with disease. These data indicate that the variant may be associated with disease. To our knowledge, no experimental evidence demonstrating an impact on protein function has been reported. The following publications have been ascertained in the context of this evaluation (PMID: 26809805, 29946535, 29100090). ClinVar contains an entry for this variant (Variation ID: 617934). Based on the evidence outlined above, the variant was classified as likely pathogenic.

SIB Swiss Institute of Bioinformatics
Classification: Likely pathogenic for Alport syndrome 3b, autosomal recessive. Last evaluated: 2024-05-13. Review status: criteria provided, single submitter. Criteria: ACMG Guidelines, 2015. Collection method: curation. Allele origin: unknown. Inheritance: Autosomal recessive inheritance.
Comment: This variant is interpreted as likely pathogenic for Alport syndrome, autosomal recessive. The following ACMG Tag(s) were applied: Absent from controls (or at extremely low frequency if recessive) in Exome Sequencing Project, 1000 Genomes Project, or Exome Aggregation Consortium (PM2_supporting). For recessive disorders, detected in trans with a pathogenic variant (PM3_moderate; PMID: 29946535). Multiple lines of computational evidence support a deleterious effect on the gene or gene product (PP3_strong; REVEL 0.958).

PreventionGenetics, part of Exact Sciences
Classification: Pathogenic for COL4A3-related condition. Last evaluated: 2023-10-12. Review status: criteria provided, single submitter. Criteria: ACMG Guidelines, 2015. Collection method: clinical testing. Allele origin: germline.
Comment: The COL4A3 c.1892G>T variant is predicted to result in the amino acid substitution p.Gly631Val. This variant has been reported in the heterozygous and compound heterozygous states in patients with COL4A3 related disorders (Weber et al. 2016. PubMed ID: 26809805; Sanna-Cherchi et al. 2017. PubMed ID: 29100090; Braunisch et al. 2018. PubMed ID: 29946535). The p.Gly631 amino acid is located in the conserved Gly-Xaa-Yaa triple helical domain where substitutions of a glycine are usually pathogenic (Mariyama et al. 1994. PubMed: 8083201; Savige et al. 2021. PubMed: 33854215; Gibson et al. 2022. PubMed: 35177655). This variant has not been reported in a large population database, indicating this variant is rare. This variant is interpreted as pathogenic.

Labcorp Genetics (formerly Invitae), Labcorp
Classification: Pathogenic. Last evaluated: 2021-08-12. Review status: criteria provided, single submitter. Criteria: Invitae Variant Classification Sherloc (09022015). Collection method: clinical testing. Allele origin: germline.
Comment: This sequence change replaces glycine with valine at codon 631 of the COL4A3 protein (p.Gly631Val). The glycine residue is highly conserved and there is a moderate physicochemical difference between glycine and valine. This variant is not present in population databases (ExAC no frequency). This variant has been observed in individual(s) with clinical features of Alport syndrome and/or kidney malformations (PMID: 26809805, 29100090). In at least one individual the data is consistent with the variant being in trans (on the opposite chromosome) from a pathogenic variant. ClinVar contains an entry for this variant (Variation ID: 617934). Advanced modeling of protein sequence and biophysical properties (such as structural, functional, and spatial information, amino acid conservation, physicochemical variation, residue mobility, and thermodynamic stability) performed at Invitae indicates that this missense variant is expected to disrupt COL4A3 protein function. This variant disrupts the p.Gly631 amino acid residue in COL4A3. Other variant(s) that disrupt this residue have been observed in individuals with COL4A3-related conditions (PMID: 26809805, 31925849, Invitae), which suggests that this may be a clinically significant amino acid residue. For these reasons, this variant has been classified as Pathogenic.

Literature cited by the submitters: PubMed 26809805 (cited by 3 submitters); PubMed 29946535 (cited by Women's Health and Genetics/Laboratory Corporation of America, LabCorp and SIB Swiss Institute of Bioinformatics); PubMed 29100090 (cited by Women's Health and Genetics/Laboratory Corporation of America, LabCorp and Labcorp Genetics (formerly Invitae), Labcorp); PubMed 31925849 (cited by Labcorp Genetics (formerly Invitae), Labcorp).

NM_000091.5(COL4A3):c.1892G>T (p.Gly631Val)

Genes: COL4A3 (collagen type IV alpha 3 chain; plus strand), MFF-DT (MFF divergent transcript; minus strand). Cytogenetic location: 2q36.3.
Variant type: single nucleotide variant.
Coding change: c.1892G>T on transcript NM_000091.5 (MANE Select); coding-DNA position 1892, G replaced by T.
Protein change: p.Gly631Val; replaces glycine 631 with valine.
Molecular consequence: missense variant.
Genome position (GRCh38, 1-based): chr2:227,273,082, G>T. VCF-style: chr2-227273082-G-T. GRCh37 (hg19) VCF-style: chr2-228137798-G-T.
Other names: c.1892G>T (NM_000091.4); short protein forms G631V.
Identifiers: ClinVar variation 617934 (VCV000617934.14), dbSNP rs1315862965, ClinGen allele CA350845010.
Genomic context (GRCh38, chr2:227,273,082, plus strand): 5'-GACCAGCTGGACCACCTGGCTACGGACCCCAAGGAGAACCTGGTCTCCAGGGCACGCAAG[G>T]AGTTCCTGGAGCCCCCGGACCACCCGGAGAAGCCGGTTGGTTAGTTTTCTTTCCAGTCCT-3'
Protein context (NP_000082.2, residues 621-641): QGEPGLQGTQ[Gly631Val]VPGAPGPPGE